The following is an entry in ClinVar:

ClinVar aggregate classification (germline): Benign/Likely benign. Review status: criteria provided, multiple submitters, no conflicts (2 of 4 stars). 3 submissions from 3 submitters: Benign (1); Likely benign (2). Last evaluated 2026-01-26.

Conditions:
Birt-Hogg-Dube syndrome. Also called: Birt Hogg Dubé syndrome. Identifiers: Orphanet 122, MedGen C0346010, MONDO:0800444.
Hereditary cancer-predisposing syndrome. Also called: Neoplastic Syndromes, Hereditary; Hereditary neoplastic syndrome; Tumor predisposition; Hereditary Cancer Syndrome. Identifiers: Orphanet 140162, MedGen C0027672, MeSH D009386, MONDO:0015356.
Birt-Hogg-Dube syndrome 1 (BHD1). Also called: FIBROFOLLICULOMAS WITH TRICHODISCOMAS AND ACROCHORDONS. Identifiers: Orphanet 122, MedGen CN375946, MONDO:0800445, OMIM 135150.

Allele frequency attached by ClinVar (database versions not stated): gnomAD exomes 0.00001.
gnomAD v4.1: 4 of 1,614,220 alleles (0.00025%); highest among the groups gnomAD compares: South Asian, 0.0011%; no homozygotes.

Submissions (3):

Labcorp Genetics (formerly Invitae), Labcorp
Classification: Likely benign for Birt-Hogg-Dube syndrome. Last evaluated: 2026-01-26. Review status: criteria provided, single submitter. Criteria: Invitae Variant Classification Sherloc (09022015). Collection method: clinical testing. Allele origin: germline.

Myriad Genetics, Inc.
Classification: Benign for Birt-Hogg-Dube syndrome 1. Last evaluated: 2024-10-23. Review status: criteria provided, single submitter. Criteria: Myriad Autosomal Dominant, Autosomal Recessive and X-Linked Classification Criteria (2023). Collection method: clinical testing. Allele origin: unknown.
Comment: This variant is considered benign. This variant is a silent/synonymous amino acid change and it is not expected to impact splicing.

Ambry Genetics
Classification: Likely benign for Hereditary cancer-predisposing syndrome. Last evaluated: 2020-04-13. Review status: criteria provided, single submitter. Criteria: Ambry Variant Classification Scheme 2023. Collection method: clinical testing. Allele origin: germline.

NM_144997.7(FLCN):c.939G>A (p.Leu313=)

Gene: FLCN (folliculin; minus strand). Cytogenetic location: 17p11.2.
Variant type: single nucleotide variant.
Coding change: c.939G>A on transcript NM_144997.7 (MANE Select); coding-DNA position 939, G replaced by A.
Protein change: p.Leu313=; no amino-acid change (leucine 313 retained).
Molecular consequence: synonymous variant.
Genome position (GRCh38, 1-based): chr17:17,219,142, C>T on the plus strand (G>A on the coding strand, the complement: FLCN is on the minus strand). VCF-style: chr17-17219142-C-T. GRCh37 (hg19) VCF-style: chr17-17122456-C-T.
Other names: c.939G>A (LRG_325t1); c.993G>A, p.Leu331= (NM_001353229.2); c.939G>A, p.Leu313= (NM_001353230.2, NM_001353231.2).
Identifiers: ClinVar variation 530009 (VCV000530009.11), dbSNP rs558365108, ClinGen allele CA288311745.